The following is an entry in ClinVar:

ClinVar aggregate classification (germline): Uncertain significance (1 of 4 stars; one submission).

Submission:

Ambry Genetics
Classification: Uncertain significance. Last evaluated: 2026-08-06. Review status: criteria provided, single submitter. Criteria: Ambry Variant Classification Scheme 2023. Collection method: clinical testing. Allele origin: germline.
Comment: The c.5216G>A (p.G1739E) alteration is located in exon 12 (coding exon 11) of the IGFN1 gene. This alteration results from a G to A substitution at nucleotide position 5216, causing the glycine (G) at amino acid position 1739 to be replaced by a glutamic acid (E). Based on data from gnomAD, the A allele has an overall frequency of 0.005% (7/143364) total alleles studied. The highest observed frequency was 0.074% (6/8130) of African alleles. Based on insufficient or conflicting evidence, the clinical significance of this alteration remains unclear.

NM_001164586.2(IGFN1):c.5216G>A (p.Gly1739Glu)

Gene: IGFN1 (immunoglobulin like and fibronectin type III domain containing 1; plus strand). Cytogenetic location: 1q32.1.
Variant type: single nucleotide variant.
Coding change: c.5216G>A on transcript NM_001164586.2 (MANE Select); coding-DNA position 5216, G replaced by A.
Protein change: p.Gly1739Glu; replaces glycine 1739 with glutamic acid.
Molecular consequence: missense variant. On other transcripts: intron variant (1).
Genome position (GRCh38, 1-based): chr1:201,210,109, G>A. VCF-style: chr1-201210109-G-A. GRCh37 (hg19) VCF-style: chr1-201179237-G-A.
Other names: c.1242-3397G>A (NM_001367841.1); short protein forms G1739E.
Identifiers: ClinVar variation 2357054 (VCV002357054.3), dbSNP rs1289746710, ClinGen allele CA344171629.